The following is an entry in ClinVar:

NM_004523.4(KIF11):c.1516A>G (p.Thr506Ala)

Gene: KIF11 (kinesin family member 11; plus strand). Cytogenetic location: 10q23.33.
Variant type: single nucleotide variant.
Coding change: c.1516A>G on transcript NM_004523.4 (MANE Select); coding-DNA position 1516, A replaced by G.
Protein change: p.Thr506Ala; replaces threonine 506 with alanine.
Molecular consequence: missense variant.
Genome position (GRCh38, 1-based): chr10:92,632,507, A>G. VCF-style: chr10-92632507-A-G. GRCh37 (hg19) VCF-style: chr10-94392264-A-G.
Other names: short protein forms T506A.
Identifiers: ClinVar variation 2134424 (VCV002134424.4), dbSNP rs2492519150, ClinGen allele CA377592076.
Genomic context (GRCh38, chr10:92,632,507, plus strand): 5'-CGTATCCATTTTGTCTAACACTTATTTTTAAAAATATAGCTGCTTAACACAGTTGAAGAA[A>G]CTACAAAAGATGTATCTGGTCTCCATTCCAAACTGGATCGTAAGAAGGCAGTTGACCAAC-3'
Protein context (NP_004514.2, residues 496-516): ASKLLNTVEE[Thr506Ala]TKDVSGLHSK

ClinVar aggregate classification (germline): Uncertain significance (1 of 4 stars; one submission).

Submission:

Labcorp Genetics (formerly Invitae), Labcorp
Classification: Uncertain significance. Last evaluated: 2022-05-05. Review status: criteria provided, single submitter. Criteria: Invitae Variant Classification Sherloc (09022015). Collection method: clinical testing. Allele origin: germline.
Comment: In summary, the available evidence is currently insufficient to determine the role of this variant in disease. Therefore, it has been classified as a Variant of Uncertain Significance. Algorithms developed to predict the effect of missense changes on protein structure and function are either unavailable or do not agree on the potential impact of this missense change (SIFT: "Deleterious"; PolyPhen-2: "Benign"; Align-GVGD: "Class C55"). This variant has not been reported in the literature in individuals affected with KIF11-related conditions. This variant is not present in population databases (gnomAD no frequency). This sequence change replaces threonine, which is neutral and polar, with alanine, which is neutral and non-polar, at codon 506 of the KIF11 protein (p.Thr506Ala).